The following is an entry in ClinVar:

NM_001354604.2(MITF):c.1331G>T (p.Cys444Phe)

Gene: MITF (melanocyte inducing transcription factor; plus strand). Cytogenetic location: 3p13.
Variant type: single nucleotide variant.
Coding change: c.1331G>T on transcript NM_001354604.2 (MANE Select); coding-DNA position 1331, G replaced by T.
Protein change: p.Cys444Phe; replaces cysteine 444 with phenylalanine.
Molecular consequence: missense variant.
Genome position (GRCh38, 1-based): chr3:69,964,998, G>T. VCF-style: chr3-69964998-G-T. GRCh37 (hg19) VCF-style: chr3-70014149-G-T.
Other names: c.1010G>T, p.Cys337Phe (NM_000248.4); c.1157G>T, p.Cys386Phe (NM_001184967.2, NM_001354608.2); c.1328G>T, p.Cys443Phe (NM_001354605.2); c.1310G>T, p.Cys437Phe (NM_001354606.2, NM_006722.3); c.1262G>T, p.Cys421Phe (NM_001354607.2); c.992G>T, p.Cys331Phe (NM_198158.3); c.1313G>T, p.Cys438Phe (NM_198159.3); c.1265G>T, p.Cys422Phe (NM_198177.3); and 1 more; short protein forms C275F, C331F, C337F, C386F, C421F, C422F, C437F, C438F.
Identifiers: ClinVar variation 1704760 (VCV001704760.33), dbSNP rs760057624, ClinGen allele CA77003522.
Genomic context (GRCh38, chr3:69,964,998, plus strand): 5'-AAGAACCCGTTCTTGAGAACTGCAGCCAAGACCTCCTTCAGCATCATGCAGACCTAACCT[G>T]TACAACAACTCTCGATCTCACGGATGGCACCATCACCTTCAACAACAACCTCGGAACTGG-3'
Protein context (NP_001341533.1, residues 434-454): DLLQHHADLT[Cys444Phe]TTTLDLTDGT

ClinVar aggregate classification (germline): Uncertain significance. Review status: criteria provided, multiple submitters, no conflicts (2 of 4 stars). 3 submissions from 3 submitters: Uncertain significance (3). Last evaluated 2026-02-03.

Conditions:
Tietz syndrome (TADS). Also called: HYPOPIGMENTATION/DEAFNESS OF TIETZ; TIETZ ALBINISM-DEAFNESS SYNDROME; ALBINISM-DEAFNESS OF TIETZ. Identifiers: Orphanet 42665, MedGen C0391816, MONDO:0007077, OMIM 103500.
Waardenburg syndrome type 2A (WS2A). Also called: WAARDENBURG SYNDROME WITHOUT DYSTOPIA CANTHORUM. Identifiers: Orphanet 3440, MedGen C1860339, MONDO:0008671, OMIM 193510.
Melanoma, cutaneous malignant, susceptibility to, 8. Also called: MELANOMA AND RENAL CELL CARCINOMA, SUSCEPTIBILITY TO; Cutaneous malignant melanoma 8. Identifiers: Orphanet 293822, MedGen C3152204, MONDO:0013759, OMIM 614456.

Allele frequency attached by ClinVar (database versions not stated): gnomAD 0.00001; gnomAD exomes 0.00001; TOPMed 0.00001.
gnomAD v4.1: 15 of 1,613,918 alleles (0.00093%); highest among the groups gnomAD compares: Admixed American, 0.0017%; no homozygotes.

Submissions (3):

Labcorp Genetics (formerly Invitae), Labcorp
Classification: Uncertain significance for Melanoma, cutaneous malignant, susceptibility to, 8; Waardenburg syndrome type 2A; Tietz syndrome. Last evaluated: 2026-02-03. Review status: criteria provided, single submitter. Criteria: Invitae Variant Classification Sherloc (09022015). Collection method: clinical testing. Allele origin: germline.
Comment: This sequence change replaces cysteine, which is neutral and slightly polar, with phenylalanine, which is neutral and non-polar, at codon 337 of the MITF protein (p.Cys337Phe). This variant is present in population databases (rs760057624, gnomAD 0.002%). This variant has not been reported in the literature in individuals affected with MITF-related conditions. ClinVar contains an entry for this variant (Variation ID: 1704760). Invitae Evidence Modeling of protein sequence and biophysical properties (such as structural, functional, and spatial information, amino acid conservation, physicochemical variation, residue mobility, and thermodynamic stability) indicates that this missense variant is not expected to disrupt MITF protein function with a negative predictive value of 80%. In summary, the available evidence is currently insufficient to determine the role of this variant in disease. Therefore, it has been classified as a Variant of Uncertain Significance.

CeGaT Center for Human Genetics Tuebingen
Classification: Uncertain significance. Last evaluated: 2023-01-01. Review status: criteria provided, single submitter. Criteria: CeGaT Center For Human Genetics Tuebingen Variant Classification Criteria Version 2. Collection method: clinical testing. Allele origin: germline. Affected: yes. Observed: 1 variant allele.
Comment: MITF: PM2

GeneDx
Classification: Uncertain significance. Last evaluated: 2022-03-08. Review status: criteria provided, single submitter. Criteria: GeneDx Variant Classification Process June 2021. Collection method: clinical testing. Allele origin: germline. Affected: yes.
Comment: Not observed at significant frequency in large population cohorts (gnomAD); In silico analysis supports that this missense variant does not alter protein structure/function; Has not been previously published as pathogenic or benign to our knowledge